The following is an entry in ClinVar:

NM_007315.4(STAT1):c.878C>T (p.Pro293Leu)

Gene: STAT1 (signal transducer and activator of transcription 1; minus strand). Cytogenetic location: 2q32.2.
Variant type: single nucleotide variant.
Coding change: c.878C>T on transcript NM_007315.4 (MANE Select); coding-DNA position 878, C replaced by T.
Protein change: p.Pro293Leu; replaces proline 293 with leucine.
Molecular consequence: missense variant. On other transcripts: intron variant (1).
Genome position (GRCh38, 1-based): chr2:190,995,127, G>A on the plus strand (C>T on the coding strand, the complement: STAT1 is on the minus strand). VCF-style: chr2-190995127-G-A. GRCh37 (hg19) VCF-style: chr2-191859853-G-A.
Other names: c.878C>T, p.Pro293Leu (NM_001384880.1, NM_001384882.1, NM_001384886.1 and 4 more transcripts); c.884C>T, p.Pro295Leu (NM_001384881.1, NM_001384884.1); c.779C>T, p.Pro260Leu (NM_001384883.1); c.788C>T, p.Pro263Leu (NM_001384890.1); c.914C>T, p.Pro305Leu (NM_001384891.1); c.785+2729C>T (NM_001384885.1); short protein forms P293L, P295L, P260L, P305L, P263L.
Identifiers: ClinVar variation 2203241 (VCV002203241.4), dbSNP rs2125062177, ClinGen allele CA349921666.

ClinVar aggregate classification (germline): Uncertain significance (1 of 4 stars; one submission).

Conditions:
Immunodeficiency 31B. Also called: STAT1 DEFICIENCY, AUTOSOMAL RECESSIVE; IMMUNODEFICIENCY 31B, MYCOBACTERIAL AND VIRAL INFECTIONS, AUTOSOMAL RECESSIVE. Identifiers: Orphanet 391311, MedGen C3151088, MONDO:0013427, OMIM 613796.
Autoimmune enteropathy and endocrinopathy - susceptibility to chronic infections syndrome. Also called: Immunodeficiency 31C, autosomal dominant; Immunodeficiency 31C. Identifiers: Orphanet 391487, MedGen C3279990, MONDO:0013599, OMIM 614162.
Mendelian susceptibility to mycobacterial diseases due to partial STAT1 deficiency. Also called: IMMUNODEFICIENCY 31A, MYCOBACTERIOSIS, AUTOSOMAL DOMINANT; STAT1 DEFICIENCY, AUTOSOMAL DOMINANT; Immunodeficiency 31a. Identifiers: Orphanet 319595, MedGen C4013950, MONDO:0013956, OMIM 614892.

Submission:

Labcorp Genetics (formerly Invitae), Labcorp
Classification: Uncertain significance for Mendelian susceptibility to mycobacterial diseases due to partial STAT1 deficiency; Immunodeficiency 31B; Autoimmune enteropathy and endocrinopathy - susceptibility to chronic infections syndrome. Last evaluated: 2022-06-08. Review status: criteria provided, single submitter. Criteria: Invitae Variant Classification Sherloc (09022015). Collection method: clinical testing. Allele origin: germline.
Comment: In summary, the available evidence is currently insufficient to determine the role of this variant in disease. Therefore, it has been classified as a Variant of Uncertain Significance. Algorithms developed to predict the effect of missense changes on protein structure and function are either unavailable or do not agree on the potential impact of this missense change (SIFT: "Tolerated"; PolyPhen-2: "Probably Damaging"; Align-GVGD: "Class C25"). This missense change has been observed in individual(s) with clinical features of chronic mucocutaneous candidiasis (PMID: 27114460, 28367431). This variant is not present in population databases (gnomAD no frequency). This sequence change replaces proline, which is neutral and non-polar, with leucine, which is neutral and non-polar, at codon 293 of the STAT1 protein (p.Pro293Leu).

Literature cited by the submitters: PubMed 27114460; PubMed 28367431.